The following is an entry in ClinVar:

NM_022167.4(XYLT2):c.1924C>T (p.Arg642Trp)

Gene: XYLT2 (xylosyltransferase 2; plus strand). Cytogenetic location: 17q21.33.
Variant type: single nucleotide variant.
Coding change: c.1924C>T on transcript NM_022167.4 (MANE Select); coding-DNA position 1924, C replaced by T.
Protein change: p.Arg642Trp; replaces arginine 642 with tryptophan.
Molecular consequence: missense variant.
Genome position (GRCh38, 1-based): chr17:50,357,235, C>T. VCF-style: chr17-50357235-C-T. GRCh37 (hg19) VCF-style: chr17-48434596-C-T.
Other names: c.1924C>T (NM_022167.2); short protein forms R642W.
Identifiers: ClinVar variation 1921989 (VCV001921989.5), dbSNP rs201387055, ClinGen allele CA8646599.

ClinVar aggregate classification (germline): Uncertain significance. Review status: criteria provided, multiple submitters, no conflicts (2 of 4 stars). 3 submissions from 3 submitters: Uncertain significance (3). Last evaluated 2025-01-24.

Conditions:
Inborn genetic diseases. Identifiers: MedGen C0950123, MeSH D030342.
Spondylo-ocular syndrome. Also called: Spondyloocular syndrome, autosomal recessive. Identifiers: Orphanet 85194, MedGen C4225412, MONDO:0011604, OMIM 605822.

Allele frequency attached by ClinVar (database versions not stated): gnomAD 0.00002; TOPMed 0.00003; ExAC 0.00008.

Submissions (3):

Ambry Genetics
Classification: Uncertain significance for Inborn genetic diseases. Last evaluated: 2025-01-24. Review status: criteria provided, single submitter. Criteria: Ambry Variant Classification Scheme 2023. Collection method: clinical testing. Allele origin: germline.

Genomic Medicine Center of Excellence, King Faisal Specialist Hospital and Research Centre
Classification: Uncertain significance for Spondylo-ocular syndrome. Last evaluated: 2024-03-29. Review status: criteria provided, single submitter. Criteria: ACMG Guidelines, 2015. Collection method: clinical testing. Allele origin: germline.

Labcorp Genetics (formerly Invitae), Labcorp
Classification: Uncertain significance. Last evaluated: 2022-08-19. Review status: criteria provided, single submitter. Criteria: Invitae Variant Classification Sherloc (09022015). Collection method: clinical testing. Allele origin: germline.
Comment: In summary, the available evidence is currently insufficient to determine the role of this variant in disease. Therefore, it has been classified as a Variant of Uncertain Significance. Algorithms developed to predict the effect of missense changes on protein structure and function (SIFT, PolyPhen-2, Align-GVGD) all suggest that this variant is likely to be disruptive. This variant has not been reported in the literature in individuals affected with XYLT2-related conditions. This variant is present in population databases (rs201387055, gnomAD 0.1%). This sequence change replaces arginine, which is basic and polar, with tryptophan, which is neutral and slightly polar, at codon 642 of the XYLT2 protein (p.Arg642Trp).